The following is an entry in ClinVar:

NM_001349253.2(SCN11A):c.617+1G>A

Gene: SCN11A (sodium voltage-gated channel alpha subunit 11; minus strand). Cytogenetic location: 3p22.2.
Variant type: single nucleotide variant.
Coding change: c.617+1G>A on transcript NM_001349253.2 (MANE Select); the canonical splice donor site of the intron after coding-DNA position 617, G replaced by A.
Molecular consequence: splice donor variant.
Genome position (GRCh38, 1-based): chr3:38,926,802, C>T on the plus strand (G>A on the coding strand, the complement: SCN11A is on the minus strand). VCF-style: chr3-38926802-C-T. GRCh37 (hg19) VCF-style: chr3-38968293-C-T.
Other names: c.617+1G>A (NM_014139.3).
Identifiers: ClinVar variation 474750 (VCV000474750.9), dbSNP rs754708932, ClinGen allele CA2322578.

ClinVar aggregate classification (germline): Uncertain significance. Review status: criteria provided, multiple submitters, no conflicts (2 of 4 stars). 2 submissions from 2 submitters: Uncertain significance (2). Last evaluated 2026-04-15.

Conditions:
SCN11A-related disorder. Also called: SCN11A-related condition.
Hereditary sensory and autonomic neuropathy type 7. Also called: HSAN VII; Neuropathy, hereditary sensory and autonomic, type VII. Identifiers: Orphanet 391397, MedGen C3809882, MONDO:0014244, OMIM 615548.
Familial episodic pain syndrome with predominantly lower limb involvement. Also called: Episodic pain syndrome, familial, 3. Identifiers: Orphanet 391384, Orphanet 391392, MedGen C3809899, MONDO:0014247, OMIM 615552.

Allele frequency attached by ClinVar (database versions not stated): gnomAD exomes 0.00001; TOPMed 0.00001; ExAC 0.00002.
gnomAD v4.1: 18 of 1,613,072 alleles (0.0011%); highest among the groups gnomAD compares: South Asian, 0.0033%; no homozygotes.

Submissions (2):

PreventionGenetics, part of Exact Sciences
Classification: Uncertain significance for SCN11A-related condition. Last evaluated: 2026-04-15. Review status: criteria provided, single submitter. Criteria: ACMG Guidelines, 2015. Collection method: clinical testing. Allele origin: germline.
Comment: The SCN11A c.617+1G>A variant is predicted to disrupt the GT donor site and interfere with normal splicing. To our knowledge, this variant has not been reported in the literature. This variant is reported in 0.0097% of alleles in individuals of Ashkenazi Jewish descent in gnomAD. Loss of function is not an established mechanism of SCN11A-related disease. At this time, the clinical significance of this variant is uncertain due to the absence of conclusive functional and genetic evidence.

Labcorp Genetics (formerly Invitae), Labcorp
Classification: Uncertain significance for Familial episodic pain syndrome with predominantly lower limb involvement; Hereditary sensory and autonomic neuropathy type 7. Last evaluated: 2022-09-06. Review status: criteria provided, single submitter. Criteria: Invitae Variant Classification Sherloc (09022015). Collection method: clinical testing. Allele origin: germline.
Comment: This sequence change affects a donor splice site in intron 4 of the SCN11A gene. It is expected to disrupt RNA splicing. Variants that disrupt the donor or acceptor splice site typically lead to a loss of protein function (PMID: 16199547), however the current clinical and genetic evidence is not sufficient to establish whether loss-of-function variants in SCN11A cause disease. This variant is present in population databases (rs754708932, gnomAD 0.01%). This variant has not been reported in the literature in individuals affected with SCN11A-related conditions. ClinVar contains an entry for this variant (Variation ID: 474750). Algorithms developed to predict the effect of sequence changes on RNA splicing suggest that this variant may disrupt the consensus splice site. In summary, the available evidence is currently insufficient to determine the role of this variant in disease. Therefore, it has been classified as a Variant of Uncertain Significance.

Literature cited by the submitters: PubMed 16199547 (cited by Labcorp Genetics (formerly Invitae), Labcorp).